The following is an entry in ClinVar:

NM_014008.5(CCDC22):c.421C>A (p.Pro141Thr)

Gene: CCDC22 (CCC complex scaffolding subunit CCDC22; plus strand). Cytogenetic location: Xp11.23.
Variant type: single nucleotide variant.
Coding change: c.421C>A on transcript NM_014008.5 (MANE Select); coding-DNA position 421, C replaced by A.
Protein change: p.Pro141Thr; replaces proline 141 with threonine.
Molecular consequence: missense variant.
Genome position (GRCh38, 1-based): chrX:49,242,945, C>A. VCF-style: chrX-49242945-C-A. GRCh37 (hg19) VCF-style: chrX-49099411-C-A.
Other names: short protein forms P141T.
Identifiers: ClinVar variation 2635124 (VCV002635124.1), dbSNP rs782302532, ClinGen allele CA10411239.

ClinVar aggregate classification (germline): Uncertain significance (1 of 4 stars; one submission).

Conditions:
CCDC22-related disorder. Also called: CCDC22-related condition.

Allele frequency attached by ClinVar (database versions not stated): gnomAD exomes below 0.00001; gnomAD 0.00001; ExAC 0.00004; 1000 Genomes Project 0.00026; 1000 Genomes Project 30x 0.00042.
gnomAD v4.1: 6 of 1,166,572 alleles (0.00051%); highest among the groups gnomAD compares: Admixed American, 0.012%; no homozygotes.

Submission:

PreventionGenetics, part of Exact Sciences
Classification: Uncertain significance for CCDC22-related condition. Last evaluated: 2022-11-27. Review status: criteria provided, single submitter. Criteria: ACMG Guidelines, 2015. Collection method: clinical testing. Allele origin: germline.
Comment: The CCDC22 c.421C>A variant is predicted to result in the amino acid substitution p.Pro141Thr. To our knowledge, this variant has not been reported in the literature. This variant is reported in 0.0035% of alleles in individuals of European (Non-Finnish) descent in gnomAD: However, the quality of data at this position is questionable and should be interpreted with caution. At this time, the clinical significance of this variant is uncertain due to the absence of conclusive functional and genetic evidence.